The following is an entry in ClinVar:

ClinVar aggregate classification (germline): Uncertain significance. Review status: criteria provided, multiple submitters, no conflicts (2 of 4 stars). 2 submissions from 2 submitters: Uncertain significance (2). Last evaluated 2025-08-24.

Conditions:
Inborn genetic diseases. Identifiers: MedGen C0950123, MeSH D030342.

gnomAD v4.1: 26 of 1,613,892 alleles (0.0016%); highest among the groups gnomAD compares: Middle Eastern, 0.016%; no homozygotes.

Submissions (2):

Labcorp Genetics (formerly Invitae), Labcorp
Classification: Uncertain significance. Last evaluated: 2025-08-24. Review status: criteria provided, single submitter. Criteria: Invitae Variant Classification Sherloc (09022015). Collection method: clinical testing. Allele origin: germline.
Comment: This sequence change replaces valine, which is neutral and non-polar, with isoleucine, which is neutral and non-polar, at codon 617 of the IGF1R protein (p.Val617Ile). This variant is present in population databases (rs761193341, gnomAD 0.02%). This variant has not been reported in the literature in individuals affected with IGF1R-related conditions. ClinVar contains an entry for this variant (Variation ID: 3859723). Invitae Evidence Modeling of protein sequence and biophysical properties (such as structural, functional, and spatial information, amino acid conservation, physicochemical variation, residue mobility, and thermodynamic stability) indicates that this missense variant is not expected to disrupt IGF1R protein function with a negative predictive value of 80%. In summary, the available evidence is currently insufficient to determine the role of this variant in disease. Therefore, it has been classified as a Variant of Uncertain Significance.

Ambry Genetics
Classification: Uncertain significance for Inborn genetic diseases. Last evaluated: 2024-12-24. Review status: criteria provided, single submitter. Criteria: Ambry Variant Classification Scheme 2023. Collection method: clinical testing. Allele origin: germline.

NM_000875.5(IGF1R):c.1849G>A (p.Val617Ile)

Gene: IGF1R (insulin like growth factor 1 receptor; plus strand). Cytogenetic location: 15q26.3.
Variant type: single nucleotide variant.
Coding change: c.1849G>A on transcript NM_000875.5 (MANE Select); coding-DNA position 1849, G replaced by A.
Protein change: p.Val617Ile; replaces valine 617 with isoleucine.
Molecular consequence: missense variant.
Genome position (GRCh38, 1-based): chr15:98,915,984, G>A. VCF-style: chr15-98915984-G-A. GRCh37 (hg19) VCF-style: chr15-99459213-G-A.
Other names: c.1849G>A, p.Val617Ile (NM_001291858.2); short protein forms V617I.
Identifiers: ClinVar variation 3859723 (VCV003859723.2).